The following is an entry in ClinVar:

NM_000535.7(PMS2):c.977C>G (p.Ser326Cys)

Gene: PMS2 (PMS1 homolog 2, mismatch repair system component; minus strand). Cytogenetic location: 7p22.1.
Variant type: single nucleotide variant.
Coding change: c.977C>G on transcript NM_000535.7 (MANE Select); coding-DNA position 977, C replaced by G.
Protein change: p.Ser326Cys; replaces serine 326 with cysteine.
Molecular consequence: missense variant. On other transcripts: non-coding transcript variant (1).
Genome position (GRCh38, 1-based): chr7:5,991,984, G>C on the plus strand (C>G on the coding strand, the complement: PMS2 is on the minus strand). VCF-style: chr7-5991984-G-C. GRCh37 (hg19) VCF-style: chr7-6031615-G-C.
Other names: c.572C>G, p.Ser191Cys (NM_001322003.2, NM_001322004.2, NM_001322005.2 and 2 more transcripts); c.977C>G, p.Ser326Cys (NM_001322006.2, NM_001322014.2); c.659C>G, p.Ser220Cys (NM_001322007.2, NM_001322008.2); c.44C>G, p.Ser15Cys (NM_001322011.2, NM_001322012.2); c.404C>G, p.Ser135Cys (NM_001322013.2); c.668C>G, p.Ser223Cys (NM_001322015.2); short protein forms S223C, S326C, S15C, S220C, S135C, S191C.
Identifiers: ClinVar variation 1356866 (VCV001356866.11), dbSNP rs2128755117, ClinGen allele CA366743077.

ClinVar aggregate classification (germline): Uncertain significance. Review status: criteria provided, multiple submitters, no conflicts (2 of 4 stars). 3 submissions from 3 submitters: Uncertain significance (3). Last evaluated 2024-08-05.

Conditions:
Hereditary nonpolyposis colorectal neoplasms. Identifiers: MedGen C0009405, MeSH D003123.
Hereditary cancer-predisposing syndrome. Also called: Tumor predisposition; Hereditary neoplastic syndrome; Neoplastic Syndromes, Hereditary; Hereditary Cancer Syndrome. Identifiers: Orphanet 140162, MedGen C0027672, MeSH D009386, MONDO:0015356.

Submissions (3):

Color Diagnostics, LLC DBA Color Health
Classification: Uncertain significance for Hereditary cancer-predisposing syndrome. Last evaluated: 2024-08-05. Review status: criteria provided, single submitter. Criteria: ACMG Guidelines, 2015. Collection method: clinical testing. Allele origin: germline.
Comment: This missense variant replaces serine with cysteine at codon 326 of the PMS2 protein. Computational prediction is inconclusive regarding the impact of this variant on protein structure and function (internally defined REVEL score threshold 0.5 < inconclusive < 0.7, PMID: 27666373). To our knowledge, functional studies have not been reported for this variant. This variant has not been reported in individuals affected with PMS2-related disorders in the literature. This variant has not been identified in the general population by the Genome Aggregation Database (gnomAD). The available evidence is insufficient to determine the role of this variant in disease conclusively. Therefore, this variant is classified as a Variant of Uncertain Significance.

Labcorp Genetics (formerly Invitae), Labcorp
Classification: Uncertain significance for Hereditary nonpolyposis colorectal neoplasms. Last evaluated: 2024-06-29. Review status: criteria provided, single submitter. Criteria: Invitae Variant Classification Sherloc (09022015). Collection method: clinical testing. Allele origin: germline.
Comment: This sequence change replaces serine, which is neutral and polar, with cysteine, which is neutral and slightly polar, at codon 326 of the PMS2 protein (p.Ser326Cys). This variant is not present in population databases (gnomAD no frequency). This variant has not been reported in the literature in individuals affected with PMS2-related conditions. ClinVar contains an entry for this variant (Variation ID: 1356866). Advanced modeling of protein sequence and biophysical properties (such as structural, functional, and spatial information, amino acid conservation, physicochemical variation, residue mobility, and thermodynamic stability) performed at Invitae indicates that this missense variant is not expected to disrupt PMS2 protein function with a negative predictive value of 80%. In summary, the available evidence is currently insufficient to determine the role of this variant in disease. Therefore, it has been classified as a Variant of Uncertain Significance.

Ambry Genetics
Classification: Uncertain significance for Hereditary cancer-predisposing syndrome. Last evaluated: 2020-10-28. Review status: criteria provided, single submitter. Criteria: Ambry Variant Classification Scheme 2023. Collection method: clinical testing. Allele origin: germline.
Comment: The p.S326C variant (also known as c.977C>G), located in coding exon 9 of the PMS2 gene, results from a C to G substitution at nucleotide position 977. The serine at codon 326 is replaced by cysteine, an amino acid with dissimilar properties. This amino acid position is not well conserved in available vertebrate species. In addition, the in silico prediction for this alteration is inconclusive. Since supporting evidence is limited at this time, the clinical significance of this alteration remains unclear.